The following is an entry in ClinVar:

ClinVar aggregate classification (germline): Pathogenic (1 of 4 stars; one submission).

Submission:

Labcorp Genetics (formerly Invitae), Labcorp
Classification: Pathogenic. Last evaluated: 2023-12-17. Review status: criteria provided, single submitter. Criteria: Invitae Variant Classification Sherloc (09022015). Collection method: clinical testing. Allele origin: germline.
Comment: This sequence change creates a premature translational stop signal (p.Leu31Argfs*41) in the TTPA gene. It is expected to result in an absent or disrupted protein product. Loss-of-function variants in TTPA are known to be pathogenic (PMID: 9463307, 26068213). This variant is not present in population databases (gnomAD no frequency). This variant has not been reported in the literature in individuals affected with TTPA-related conditions. For these reasons, this variant has been classified as Pathogenic.

Literature cited by the submitters: PubMed 9463307; PubMed 26068213.

NM_000370.3(TTPA):c.92_102del (p.Leu31fs)

Gene: TTPA (alpha tocopherol transfer protein; minus strand). Cytogenetic location: 8q12.3.
Variant type: Deletion.
Coding change: c.92_102del on transcript NM_000370.3 (MANE Select); coding-DNA positions 92 to 102, 11 bases deleted (TGCGGCGCCGG).
Protein change: p.Leu31fs; shifts the reading frame from leucine 31.
Molecular consequence: frameshift variant. On other transcripts: non-coding transcript variant (3).
Genome position (GRCh38, 1-based): chr8:63,085,920-63,085,930, CCGGCGCCGCA deleted on the plus strand (TGCGGCGCCGG on the coding strand, the reverse complement: TTPA is on the minus strand). VCF-style (leftmost placement, unchanged base first): chr8-63085919-CCCGGCGCCGCA-C. GRCh37 (hg19) VCF-style: chr8-63998478-CCCGGCGCCGCA-C.
Other names: c.92_102del, p.Leu31fs (NM_001413414.1, NM_001413415.1, NM_001413416.1 and 2 more transcripts); short protein forms L31fs.
Identifiers: ClinVar variation 2703680 (VCV002703680.3), dbSNP rs2487200887, ClinGen allele CA2697549927.
Genomic context (GRCh38, chr8:63,085,919, plus strand): 5'-ACCGCAGCAGGAAGGAGTCGGTGAGCGGCAGCGGCGCGAGCGGGACGCCAGCTTCCCGGG[CCCGGCGCCGCA>C]GCGCCGCCAGGCCCGGCTGCAGCAACGGAGAGTGGTCCGGTAGCGCGTTGAGCTGCGGCC-3'